The following is an entry in ClinVar:

NM_133433.4(NIPBL):c.7727A>G (p.Tyr2576Cys)

Gene: NIPBL (NIPBL cohesin loading factor; plus strand). Cytogenetic location: 5p13.2.
Variant type: single nucleotide variant.
Coding change: c.7727A>G on transcript NM_133433.4 (MANE Select); coding-DNA position 7727, A replaced by G.
Protein change: p.Tyr2576Cys; replaces tyrosine 2576 with cysteine.
Molecular consequence: missense variant.
Genome position (GRCh38, 1-based): chr5:37,060,885, A>G. VCF-style: chr5-37060885-A-G. GRCh37 (hg19) VCF-style: chr5-37060987-A-G.
Other names: c.7727A>G, p.Tyr2576Cys (NM_015384.5); short protein forms Y2576C.
Identifiers: ClinVar variation 99941 (VCV000099941.10), dbSNP rs80358351, ClinGen allele CA172752.

ClinVar aggregate classification (germline): Conflicting classifications of pathogenicity. Review status: criteria provided, conflicting classifications (1 of 4 stars). 2 submissions from 2 submitters: Uncertain significance (1); Likely benign (1). Last evaluated 2023-12-11.

Conditions:
Cornelia de Lange syndrome 1 (CDLS1). Also called: NIPBL-Related Cornelia de Lange Syndrome; Brachmann de Lange syndrome; TYPUS DEGENERATIVUS AMSTELODAMENSIS. Identifiers: Orphanet 199, MedGen C4551851, MONDO:0007387, OMIM 122470.

Submissions (2):

Labcorp Genetics (formerly Invitae), Labcorp
Classification: Uncertain significance for Cornelia de Lange syndrome 1. Last evaluated: 2023-12-11. Review status: criteria provided, single submitter. Criteria: Invitae Variant Classification Sherloc (09022015). Collection method: clinical testing. Allele origin: germline.
Comment: This sequence change replaces tyrosine, which is neutral and polar, with cysteine, which is neutral and slightly polar, at codon 2576 of the NIPBL protein (p.Tyr2576Cys). This variant is not present in population databases (gnomAD no frequency). This variant has not been reported in the literature in individuals affected with NIPBL-related conditions. ClinVar contains an entry for this variant (Variation ID: 99941). Advanced modeling of protein sequence and biophysical properties (such as structural, functional, and spatial information, amino acid conservation, physicochemical variation, residue mobility, and thermodynamic stability) performed at Invitae indicates that this missense variant is expected to disrupt NIPBL protein function with a positive predictive value of 95%. In summary, the available evidence is currently insufficient to determine the role of this variant in disease. Therefore, it has been classified as a Variant of Uncertain Significance.

Genetic Services Laboratory, University of Chicago
Classification: Likely benign. Last evaluated: 2013-02-08. Review status: criteria provided, single submitter. Criteria: ACMG Guidelines, 2007. Collection method: clinical testing. Allele origin: germline. Inheritance: Autosomal dominant inheritance.